The following is an entry in ClinVar:

NM_021815.5(SLC5A7):c.35T>C (p.Ile12Thr)

Gene: SLC5A7 (solute carrier family 5 member 7; plus strand). Cytogenetic location: 2q12.3.
Variant type: single nucleotide variant.
Coding change: c.35T>C on transcript NM_021815.5 (MANE Select); coding-DNA position 35, T replaced by C.
Protein change: p.Ile12Thr; replaces isoleucine 12 with threonine.
Molecular consequence: missense variant. On other transcripts: 5 prime UTR variant (1), intron variant (1).
Genome position (GRCh38, 1-based): chr2:107,988,190, T>C. VCF-style: chr2-107988190-T-C. GRCh37 (hg19) VCF-style: chr2-108604646-T-C.
Other names: c.35T>C, p.Ile12Thr (NM_001305005.3); c.-670T>C (NM_001305007.3); c.-138+1427T>C (NM_001305006.3); short protein forms I12T.
Identifiers: ClinVar variation 567377 (VCV000567377.6), dbSNP rs1057353436, ClinGen allele CA53407778.
Genomic context (GRCh38, chr2:107,988,190, plus strand): 5'-AGAAGAATCTGGATCATTAGATAAAAATGGCTTTCCATGTGGAAGGACTGATAGCTATCA[T>C]CGTGTTCTACCTTCTAATTTTGCTGGTTGGAATATGGGCTGCCTGGAGAACCAAAAACAG-3'
Protein context (NP_068587.1, residues 2-22): AFHVEGLIAI[Ile12Thr]VFYLLILLVG

ClinVar aggregate classification (germline): Uncertain significance (1 of 4 stars; one submission).

Conditions:
Neuronopathy, distal hereditary motor, type 7A. Also called: SPINAL MUSCULAR ATROPHY, DISTAL, WITH VOCAL CORD PARALYSIS; Neuronopathy, distal hereditary motor, type viia; HARPER-YOUNG MYOPATHY; HMN VIIA; NEURONOPATHY, DISTAL HEREDITARY MOTOR, HARDING TYPE VIIA; NEUROPATHY, DISTAL HEREDITARY MOTOR, HARDING TYPE VIIA. Identifiers: Orphanet 139589, MedGen C1834703, MONDO:0008024, OMIM 158580.
Congenital myasthenic syndrome 20. Also called: Myasthenic syndrome, congenital, 20, presynaptic. Identifiers: MedGen C4310694, MONDO:0014939, OMIM 617143.

Allele frequency attached by ClinVar (database versions not stated): gnomAD exomes below 0.00001; gnomAD 0.00001; TOPMed 0.00001.

Submission:

Labcorp Genetics (formerly Invitae), Labcorp
Classification: Uncertain significance for Neuronopathy, distal hereditary motor, type 7A; Congenital myasthenic syndrome 20. Last evaluated: 2024-06-25. Review status: criteria provided, single submitter. Criteria: Invitae Variant Classification Sherloc (09022015). Collection method: clinical testing. Allele origin: germline.
Comment: This sequence change replaces isoleucine, which is neutral and non-polar, with threonine, which is neutral and polar, at codon 12 of the SLC5A7 protein (p.Ile12Thr). This variant is present in population databases (no rsID available, gnomAD 0.007%). This variant has not been reported in the literature in individuals affected with SLC5A7-related conditions. ClinVar contains an entry for this variant (Variation ID: 567377). Advanced modeling of protein sequence and biophysical properties (such as structural, functional, and spatial information, amino acid conservation, physicochemical variation, residue mobility, and thermodynamic stability) performed at Invitae indicates that this missense variant is expected to disrupt SLC5A7 protein function with a positive predictive value of 80%. In summary, the available evidence is currently insufficient to determine the role of this variant in disease. Therefore, it has been classified as a Variant of Uncertain Significance.